The following is an entry in ClinVar:

NM_152618.3(BBS12):c.942A>G (p.Arg314=)

Gene: BBS12 (Bardet-Biedl syndrome 12; plus strand). Cytogenetic location: 4q27.
Variant type: single nucleotide variant.
Coding change: c.942A>G on transcript NM_152618.3 (MANE Select); coding-DNA position 942, A replaced by G.
Protein change: p.Arg314=; no amino-acid change (arginine 314 retained).
Molecular consequence: synonymous variant.
Genome position (GRCh38, 1-based): chr4:122,742,834, A>G. VCF-style: chr4-122742834-A-G. GRCh37 (hg19) VCF-style: chr4-123663989-A-G.
Other names: c.942A>G, p.Arg314= (NM_001178007.2); c.942A>G (NM_152618.2).
Identifiers: ClinVar variation 1554320 (VCV001554320.10), dbSNP rs1800904511, ClinGen allele CA441120840.

ClinVar aggregate classification (germline): Likely benign. Review status: criteria provided, single submitter (1 of 4 stars). 2 submissions from 2 submitters: Likely benign (1). 1 of the submissions does not count toward it. Last evaluated 2025-06-22.

Conditions:
BBS12-related disorder. Also called: BBS12-related condition.
Bardet-Biedl syndrome (BBS). Identifiers: Orphanet 110, MedGen C0752166, MONDO:0015229.

Allele frequency attached by ClinVar (database versions not stated): gnomAD exomes below 0.00001; TOPMed below 0.00001; gnomAD 0.00001.
gnomAD v4.1: 3 of 1,614,076 alleles (0.00019%); highest among the groups gnomAD compares: Admixed American, 0.0033%; no homozygotes.

Submissions (2):

Labcorp Genetics (formerly Invitae), Labcorp
Classification: Likely benign for Bardet-Biedl syndrome. Last evaluated: 2025-06-22. Review status: criteria provided, single submitter. Criteria: Invitae Variant Classification Sherloc (09022015). Collection method: clinical testing. Allele origin: germline.

PreventionGenetics, part of Exact Sciences
Classification: Likely benign for BBS12-related condition. Last evaluated: 2020-04-16. Review status: no assertion criteria provided. Collection method: clinical testing. Allele origin: germline. Not counted in ClinVar's aggregate classification.
Comment: This variant is classified as likely benign based on ACMG/AMP sequence variant interpretation guidelines (Richards et al. 2015 PMID: 25741868, with internal and published modifications).